The following is an entry in ClinVar:

NM_000138.5(FBN1):c.4664T>C (p.Val1555Ala)

Gene: FBN1 (fibrillin 1; minus strand). Cytogenetic location: 15q21.1.
Variant type: single nucleotide variant.
Coding change: c.4664T>C on transcript NM_000138.5 (MANE Select); coding-DNA position 4664, T replaced by C.
Protein change: p.Val1555Ala; replaces valine 1555 with alanine.
Molecular consequence: missense variant.
Genome position (GRCh38, 1-based): chr15:48,468,021, A>G on the plus strand (T>C on the coding strand, the complement: FBN1 is on the minus strand). VCF-style: chr15-48468021-A-G. GRCh37 (hg19) VCF-style: chr15-48760218-A-G.
Other names: c.4664T>C, p.Val1555Ala (NM_001406716.1); short protein forms V1555A.
Identifiers: ClinVar variation 1722033 (VCV001722033.6), dbSNP rs2505501753, ClinGen allele CA392353014.

ClinVar aggregate classification (germline): Uncertain significance. Review status: criteria provided, multiple submitters, no conflicts (2 of 4 stars). 2 submissions from 2 submitters: Uncertain significance (2). Last evaluated 2025-09-05.

Conditions:
Familial thoracic aortic aneurysm and aortic dissection (TAAD). Also called: Thoracic aortic aneurysms and dissections. Identifiers: Orphanet 91387, MedGen C4707243, MONDO:0019625.
Marfan syndrome (MFS). Also called: Marfan's syndrome; Marfan syndrome, classic; MARFAN SYNDROME, TYPE I; Marfan syndrome type 1; FBN1-Related Marfan Syndrome. Identifiers: Orphanet 284963, Orphanet 558, MedGen C0024796, MONDO:0007947, OMIM 154700.

gnomAD v4.1: 2 of 1,613,924 alleles (0.00012%); highest among the groups gnomAD compares: South Asian, 0.0011%; no homozygotes.

Submissions (2):

Color Diagnostics, LLC DBA Color Health
Classification: Uncertain significance for Familial thoracic aortic aneurysm and aortic dissection. Last evaluated: 2025-09-05. Review status: criteria provided, single submitter. Criteria: ACMG Guidelines, 2015. Collection method: clinical testing. Allele origin: germline.
Comment: This missense variant replaces valine with alanine at codon 1555 of the FBN1 protein. Computational prediction suggests that this variant may have deleterious impact on protein structure and function. To our knowledge, functional studies have not been reported for this variant. This variant has not been reported in individuals affected with FBN1-related disorders in the literature. This variant has not been identified in the general population by the Genome Aggregation Database (gnomAD). The available evidence is insufficient to determine the role of this variant in disease conclusively. Therefore, this variant is classified as a Variant of Uncertain Significance.

Labcorp Genetics (formerly Invitae), Labcorp
Classification: Uncertain significance for Marfan syndrome; Familial thoracic aortic aneurysm and aortic dissection. Last evaluated: 2022-10-21. Review status: criteria provided, single submitter. Criteria: Invitae Variant Classification Sherloc (09022015). Collection method: clinical testing. Allele origin: germline.
Comment: In summary, the available evidence is currently insufficient to determine the role of this variant in disease. Therefore, it has been classified as a Variant of Uncertain Significance. Advanced modeling of protein sequence and biophysical properties (such as structural, functional, and spatial information, amino acid conservation, physicochemical variation, residue mobility, and thermodynamic stability) performed at Invitae indicates that this missense variant is expected to disrupt FBN1 protein function. This variant has not been reported in the literature in individuals affected with FBN1-related conditions. This variant is not present in population databases (gnomAD no frequency). This sequence change replaces valine, which is neutral and non-polar, with alanine, which is neutral and non-polar, at codon 1555 of the FBN1 protein (p.Val1555Ala).